The following is an entry in ClinVar:

NM_006767.4(LZTR1):c.2411C>T (p.Ser804Phe)

Gene: LZTR1 (leucine zipper like post translational regulator 1; plus strand). Cytogenetic location: 22q11.21.
Variant type: single nucleotide variant.
Coding change: c.2411C>T on transcript NM_006767.4 (MANE Select); coding-DNA position 2411, C replaced by T.
Protein change: p.Ser804Phe; replaces serine 804 with phenylalanine.
Molecular consequence: missense variant.
Genome position (GRCh38, 1-based): chr22:20,997,236, C>T. VCF-style: chr22-20997236-C-T. GRCh37 (hg19) VCF-style: chr22-21351525-C-T.
Other names: short protein forms S804F.
Identifiers: ClinVar variation 3718853 (VCV003718853.2).

ClinVar aggregate classification (germline): Uncertain significance (1 of 4 stars; one submission).

Submission:

Labcorp Genetics (formerly Invitae), Labcorp
Classification: Uncertain significance. Last evaluated: 2024-11-05. Review status: criteria provided, single submitter. Criteria: Invitae Variant Classification Sherloc (09022015). Collection method: clinical testing. Allele origin: germline.
Comment: This sequence change replaces serine, which is neutral and polar, with phenylalanine, which is neutral and non-polar, at codon 804 of the LZTR1 protein (p.Ser804Phe). This variant is not present in population databases (gnomAD no frequency). This variant has not been reported in the literature in individuals affected with LZTR1-related conditions. Invitae Evidence Modeling of protein sequence and biophysical properties (such as structural, functional, and spatial information, amino acid conservation, physicochemical variation, residue mobility, and thermodynamic stability) indicates that this missense variant is not expected to disrupt LZTR1 protein function with a negative predictive value of 80%. In summary, the available evidence is currently insufficient to determine the role of this variant in disease. Therefore, it has been classified as a Variant of Uncertain Significance.